The following is an entry in ClinVar:

NM_014727.3(KMT2B):c.5485C>G (p.Pro1829Ala)

Gene: KMT2B (lysine methyltransferase 2B; plus strand). Cytogenetic location: 19q13.12.
Variant type: single nucleotide variant.
Coding change: c.5485C>G on transcript NM_014727.3 (MANE Select); coding-DNA position 5485, C replaced by G.
Protein change: p.Pro1829Ala; replaces proline 1829 with alanine.
Molecular consequence: missense variant.
Genome position (GRCh38, 1-based): chr19:35,731,955, C>G. VCF-style: chr19-35731955-C-G. GRCh37 (hg19) VCF-style: chr19-36222856-C-G.
Other names: short protein forms P1829A.
Identifiers: ClinVar variation 2577106 (VCV002577106.1), dbSNP rs775036830, ClinGen allele CA307795121.

ClinVar aggregate classification (germline): Uncertain significance (1 of 4 stars; one submission).

Allele frequency attached by ClinVar (database versions not stated): TOPMed 0.00001.

Submission:

Women's Health and Genetics/Laboratory Corporation of America, LabCorp
Classification: Uncertain significance. Last evaluated: 2023-07-19. Review status: criteria provided, single submitter. Criteria: LabCorp Variant Classification Summary - May 2015. Collection method: clinical testing. Allele origin: germline.
Comment: Variant summary: KMT2B c.5485C>G (p.Pro1829Ala) results in a non-conservative amino acid change in the encoded protein sequence. Three of five in-silico tools predict a damaging effect of the variant on protein function. The variant was absent in 248916 control chromosomes (gnomAD). The available data on variant occurrences in the general population are insufficient to allow any conclusion about variant significance. To our knowledge, no occurrence of c.5485C>G in individuals affected with Childhood-Onset Dystonia and no experimental evidence demonstrating its impact on protein function have been reported. No submitters have cited clinical-significance assessments for this variant to ClinVar after 2014. Based on the evidence outlined above, the variant was classified as uncertain significance.